The following is an entry in ClinVar:

NM_005422.4(TECTA):c.4060A>C (p.Thr1354Pro)

Genes: TBCEL-TECTA (TBCEL-TECTA readthrough; plus strand), TECTA (tectorin alpha; plus strand). Cytogenetic location: 11q23.3.
Variant type: single nucleotide variant.
Coding change: c.4060A>C on transcript NM_005422.4 (MANE Select); coding-DNA position 4060, A replaced by C.
Protein change: p.Thr1354Pro; replaces threonine 1354 with proline.
Molecular consequence: missense variant.
Genome position (GRCh38, 1-based): chr11:121,146,071, A>C. VCF-style: chr11-121146071-A-C. GRCh37 (hg19) VCF-style: chr11-121016780-A-C.
Other names: c.5017A>C, p.Thr1673Pro (NM_001378761.1); short protein forms T1673P, T1354P.
Identifiers: ClinVar variation 1370048 (VCV001370048.8), dbSNP rs2135106878, ClinGen allele CA383023138.
Genomic context (GRCh38, chr11:121,146,071, plus strand): 5'-GATGGGGGCGCGGTGCAGACCGCCTGCAGCTGGCTGCAGAACTACGCCAGCACCTGCCAG[A>C]CTCAGGGGATTACGGTGACTGGCTGGAGGAATTACACGTCCTGCAGTGAGTCCTTCTCGT-3'
Protein context (NP_005413.2, residues 1344-1364): WLQNYASTCQ[Thr1354Pro]QGITVTGWRN

ClinVar aggregate classification (germline): Uncertain significance (1 of 4 stars; one submission).

gnomAD v4.1: 3 of 1,612,838 alleles (0.00019%); highest among the groups gnomAD compares: Non-Finnish European, 0.00025%; no homozygotes.

Submission:

Labcorp Genetics (formerly Invitae), Labcorp
Classification: Uncertain significance. Last evaluated: 2022-06-13. Review status: criteria provided, single submitter. Criteria: Invitae Variant Classification Sherloc (09022015). Collection method: clinical testing. Allele origin: germline.
Comment: In summary, the available evidence is currently insufficient to determine the role of this variant in disease. Therefore, it has been classified as a Variant of Uncertain Significance. Algorithms developed to predict the effect of missense changes on protein structure and function are either unavailable or do not agree on the potential impact of this missense change (SIFT: "Tolerated"; PolyPhen-2: "Possibly Damaging"; Align-GVGD: "Class C0"). This variant has not been reported in the literature in individuals affected with TECTA-related conditions. This variant is not present in population databases (gnomAD no frequency). This sequence change replaces threonine, which is neutral and polar, with proline, which is neutral and non-polar, at codon 1354 of the TECTA protein (p.Thr1354Pro).